The following is an entry in ClinVar:

NM_000540.3(RYR1):c.2822C>T (p.Ala941Val)

Gene: RYR1 (ryanodine receptor 1; plus strand). Cytogenetic location: 19q13.2.
Variant type: single nucleotide variant.
Coding change: c.2822C>T on transcript NM_000540.3 (MANE Select); coding-DNA position 2822, C replaced by T.
Protein change: p.Ala941Val; replaces alanine 941 with valine.
Molecular consequence: missense variant.
Genome position (GRCh38, 1-based): chr19:38,464,674, C>T. VCF-style: chr19-38464674-C-T. GRCh37 (hg19) VCF-style: chr19-38955314-C-T.
Other names: c.2822C>T, p.Ala941Val (NM_001042723.2); short protein forms A941V.
Identifiers: ClinVar variation 224377 (VCV000224377.26), dbSNP rs748568687, ClinGen allele CA064079.
Genomic context (GRCh38, chr19:38,464,674, plus strand): 5'-GTCGCCTCCACTCCCCCACCCCCAGGACTCTGCTGGCTCTGGGCTGCCACGTGGGCATGG[C>T]GGATGAGAAGGCGGAGGACAACCTGAAGAAGACAAAACTCCCCAAGACGTGAGTGTGGGC-3'
Protein context (NP_000531.2, residues 931-951): LLALGCHVGM[Ala941Val]DEKAEDNLKK

ClinVar aggregate classification (germline): Conflicting classifications of pathogenicity. Review status: criteria provided, conflicting classifications (1 of 4 stars). 10 submissions from 9 submitters: Uncertain significance (7); Likely benign (2). 1 of the submissions does not count toward it. Last evaluated 2026-01-18.

Conditions:
Inborn genetic diseases. Identifiers: MedGen C0950123, MeSH D030342.
RYR1-related disorder. Also called: RYR1-related disorders; RYR1-related condition. Identifiers: MedGen CN239331.
Malignant hyperthermia, susceptibility to, 1 (MHS1). Also called: Malignant hyperthermia suceptibility 1; RYR1-Related Malignant Hyperthermia Susceptibility; Anesthesia related hyperthermia; Malignant hyperpyrexia; Fulminating hyperpyrexia; Pharmacogenic myopathy. Identifiers: Orphanet 423, MedGen C2930980, MONDO:0007783, OMIM 145600.
Congenital multicore myopathy with external ophthalmoplegia (CMYO1B). Also called: MULTICORE MYOPATHY; Congenital myopathy 1B, autosomal recessive; Minicore myopathy; MULTIMINICORE DISEASE WITH EXTERNAL OPHTHALMOPLEGIA; Minicore myopathy with external ophthalmoplegia. Identifiers: Orphanet 598, Orphanet 98905, MedGen C1850674, MONDO:0009712, OMIM 255320, HP:0003789.

Allele frequency attached by ClinVar (database versions not stated): gnomAD exomes 0.00015 and 0.00026; gnomAD 0.00019 and 0.00020; TOPMed 0.00019; ExAC 0.00041.
gnomAD v4.1: 261 of 1,593,232 alleles (0.016%); highest among the groups gnomAD compares: Admixed American, 0.0088%; no homozygotes.

Submissions (10):

Labcorp Genetics (formerly Invitae), Labcorp
Classification: Likely benign for RYR1-related disorder. Last evaluated: 2026-01-18. Review status: criteria provided, single submitter. Criteria: Invitae Variant Classification Sherloc (09022015). Collection method: clinical testing. Allele origin: germline.

All of Us Research Program, National Institutes of Health
Classification: Uncertain significance for Malignant hyperthermia, susceptibility to, 1. Last evaluated: 2024-09-24. Review status: criteria provided, single submitter. Criteria: ACMG Guidelines, 2015. Collection method: clinical testing. Allele origin: germline. Inheritance: Autosomal dominant inheritance. Observed: 83 variant alleles, 83 heterozygotes.
Comment: This missense variant replaces alanine with valine at codon 941 of the RYR1 protein. Computational prediction suggests that this variant may not impact protein structure and function (internally defined REVEL score threshold <= 0.5, PMID: 27666373). To our knowledge, functional studies have not been reported for this variant. This variant has not been reported in individuals affected with malignant hyperthermia in the literature. This variant has been identified in 60/248908 chromosomes in the general population by the Genome Aggregation Database (gnomAD). The available evidence is insufficient to determine the role of this variant in disease conclusively. Therefore, this variant is classified as a Variant of Uncertain Significance.

This study involves interpretation of variants in research participants for the purpose of population health screening. Participant phenotype was not available at the time of variant classification. Additional details can be found in publication PMID: 35346344, PMCID: PMC8962531

Women's Health and Genetics/Laboratory Corporation of America, LabCorp
Classification: Likely benign. Last evaluated: 2023-12-05. Review status: criteria provided, single submitter. Criteria: LabCorp Variant Classification Summary - May 2015. Collection method: clinical testing. Allele origin: germline.
Comment: Variant summary: RYR1 c.2822C>T (p.Ala941Val) results in a non-conservative amino acid change in the encoded protein sequence. Three of four in-silico tools predict a damaging effect of the variant on protein function. The variant allele was found at a frequency of 0.00026 in 217518 control chromosomes in the gnomAD database, including one homozygote. To our knowledge, no occurrence of c.2822C>T in individuals affected with Myopathy, RYR1-Associated and no experimental evidence demonstrating its impact on protein function have been reported. Four submitters have cited clinical-significance assessments for this variant to ClinVar after 2014 and classified this variant as uncertain significance (n=3) and likely benign (n=1). Based on the evidence outlined above, the variant was classified as likely benign.

Color Diagnostics, LLC DBA Color Health
Classification: Uncertain significance for Malignant hyperthermia, susceptibility to, 1. Last evaluated: 2023-11-29. Review status: criteria provided, single submitter. Criteria: ACMG Guidelines, 2015. Collection method: clinical testing. Allele origin: germline.
Comment: This missense variant replaces alanine with valine at codon 941 of the RYR1 protein. Computational prediction suggests that this variant may not impact protein structure and function (internally defined REVEL score threshold <= 0.6, PMID: 27666373). To our knowledge, functional studies have not been reported for this variant. This variant has not been reported in individuals affected with RYR1-related disorders in the literature. This variant has been identified in 60/248908 chromosomes in the general population by the Genome Aggregation Database (gnomAD). The available evidence is insufficient to determine the role of this variant in disease conclusively. Therefore, this variant is classified as a Variant of Uncertain Significance.

Revvity Omics, Revvity
Classification: Uncertain significance. Last evaluated: 2022-03-15. Review status: criteria provided, single submitter. Criteria: ACMG Guidelines, 2015. Collection method: clinical testing. Allele origin: germline.

Illumina Laboratory Services, Illumina
Classification: Uncertain significance for Congenital multicore myopathy with external ophthalmoplegia. Last evaluated: 2018-01-13. Review status: criteria provided, single submitter. Criteria: ICSL Variant Classification Criteria 13 December 2019. Collection method: clinical testing. Allele origin: germline.

Illumina Laboratory Services, Illumina
Classification: Uncertain significance for Malignant hyperthermia, susceptibility to, 1. Last evaluated: 2018-01-13. Review status: criteria provided, single submitter. Criteria: ICSL Variant Classification Criteria 13 December 2019. Collection method: clinical testing. Allele origin: germline.

Ambry Genetics
Classification: Uncertain significance for Inborn genetic diseases. Last evaluated: 2013-11-04. Review status: criteria provided, single submitter. Criteria: Ambry Autosomal Dominant and X-Linked criteria (10/2015). Collection method: clinical testing. Allele origin: germline. Observed: 1 variant allele.
Comment: There is insufficient or conflicting evidence for classification of this alteration.

Biesecker Lab/Clinical Genomics Section, National Institutes of Health
Classification: Uncertain significance for Malignant hyperthermia, susceptibility to, 1. Last evaluated: 2013-07-01. Review status: criteria provided, single submitter. Criteria: Gonsalves et al. 2013. Collection method: research. Allele origin: unknown. Observed: 1 variant allele. Study: ClinSeq.
Comment: The study set was not selected for affection status in relation to any myopathy. Pathogenicity categories were based on literature curation. See Pubmed ID: 24195946 for details.

PreventionGenetics, part of Exact Sciences
Classification: Likely benign for RYR1-related condition. Last evaluated: 2024-01-29. Review status: no assertion criteria provided. Collection method: clinical testing. Allele origin: germline. Not counted in ClinVar's aggregate classification.
Comment: This variant is classified as likely benign based on ACMG/AMP sequence variant interpretation guidelines (Richards et al. 2015 PMID: 25741868, with internal and published modifications).